The following is an entry in ClinVar:

NM_001378969.1(KCND3):c.346G>A (p.Asp116Asn)

Gene: KCND3 (potassium voltage-gated channel subfamily D member 3; minus strand). Cytogenetic location: 1p13.2.
Variant type: single nucleotide variant.
Coding change: c.346G>A on transcript NM_001378969.1 (MANE Select); coding-DNA position 346, G replaced by A.
Protein change: p.Asp116Asn; replaces aspartic acid 116 with asparagine.
Molecular consequence: missense variant.
Genome position (GRCh38, 1-based): chr1:111,982,381, C>T on the plus strand (G>A on the coding strand, the complement: KCND3 is on the minus strand). VCF-style: chr1-111982381-C-T. GRCh37 (hg19) VCF-style: chr1-112525003-C-T.
Other names: c.346G>A, p.Asp116Asn (NM_001378970.1, NM_004980.5, NM_172198.3); short protein forms D116N.
Identifiers: ClinVar variation 961544 (VCV000961544.11), dbSNP rs766584545, ClinGen allele CA1007609.

ClinVar aggregate classification (germline): Uncertain significance. Review status: criteria provided, multiple submitters, no conflicts (2 of 4 stars). 3 submissions from 3 submitters: Uncertain significance (3). Last evaluated 2025-02-05.

Conditions:
Cardiovascular phenotype. Identifiers: MedGen CN230736.
Spinocerebellar ataxia type 19/22 (SCA19). Also called: SPINOCEREBELLAR ATAXIA 22; SPINOCEREBELLAR ATAXIA 19. Identifiers: Orphanet 98772, MedGen C1846367, MONDO:0011819, OMIM 607346.
Brugada syndrome 9 (BRGDA9). Identifiers: Orphanet 130, MedGen C4225340, MONDO:0014621, OMIM 616399.

Allele frequency attached by ClinVar (database versions not stated): gnomAD exomes below 0.00001 and 0.00001; TOPMed 0.00001; ExAC 0.00002.
gnomAD v4.1: 5 of 1,614,184 alleles (0.00031%); highest among the groups gnomAD compares: Non-Finnish European, 0.00042%; no homozygotes.

Submissions (3):

Labcorp Genetics (formerly Invitae), Labcorp
Classification: Uncertain significance for Spinocerebellar ataxia type 19/22. Last evaluated: 2025-02-05. Review status: criteria provided, single submitter. Criteria: Invitae Variant Classification Sherloc (09022015). Collection method: clinical testing. Allele origin: germline.
Comment: This sequence change replaces aspartic acid, which is acidic and polar, with asparagine, which is neutral and polar, at codon 116 of the KCND3 protein (p.Asp116Asn). This variant is present in population databases (rs766584545, gnomAD 0.002%). This variant has not been reported in the literature in individuals affected with KCND3-related conditions. ClinVar contains an entry for this variant (Variation ID: 961544). Invitae Evidence Modeling of protein sequence and biophysical properties (such as structural, functional, and spatial information, amino acid conservation, physicochemical variation, residue mobility, and thermodynamic stability) indicates that this missense variant is not expected to disrupt KCND3 protein function with a negative predictive value of 95%. In summary, the available evidence is currently insufficient to determine the role of this variant in disease. Therefore, it has been classified as a Variant of Uncertain Significance.

Ambry Genetics
Classification: Uncertain significance for Cardiovascular phenotype. Last evaluated: 2024-05-19. Review status: criteria provided, single submitter. Criteria: Ambry Variant Classification Scheme 2023. Collection method: clinical testing. Allele origin: germline.
Comment: The p.D116N variant (also known as c.346G>A), located in coding exon 1 of the KCND3 gene, results from a G to A substitution at nucleotide position 346. The aspartic acid at codon 116 is replaced by asparagine, an amino acid with highly similar properties. This amino acid position is conserved. In addition, this alteration is predicted to be tolerated by in silico analysis. Based on the available evidence, the clinical significance of this variant remains unclear.

Fulgent Genetics
Classification: Uncertain significance for Spinocerebellar ataxia type 19/22; Brugada syndrome 9. Last evaluated: 2021-10-20. Review status: criteria provided, single submitter. Criteria: ACMG Guidelines, 2015. Collection method: clinical testing. Allele origin: unknown.